The following is an entry in ClinVar:

ClinVar aggregate classification (germline): Pathogenic/Likely pathogenic. Review status: criteria provided, multiple submitters, no conflicts (2 of 4 stars). 2 submissions from 2 submitters: Pathogenic (1); Likely pathogenic (1). Last evaluated 2022-06-03.

Conditions:
Severe combined immunodeficiency disease. Also called: Severe Combined Immune Deficiency; Severe combined immunodeficiency. Identifiers: Orphanet 183660, MedGen C0085110, MeSH D016511, MONDO:0015974, HP:0004430. Inheritance: X-Linked or Autosomal recessive.
Severe combined immunodeficiency due to DCLRE1C deficiency (RS-SCID). Also called: SCID, AUTOSOMAL RECESSIVE, T CELL-NEGATIVE, B CELL-NEGATIVE, NK CELL-POSITIVE, WITH SENSITIVITY TO IONIZING RADIATION. Identifiers: Orphanet 275, MedGen C1865371, MONDO:0011225, OMIM 602450.

gnomAD v4.1: 1 of 1,613,976 alleles (0.000062%); highest among the groups gnomAD compares: South Asian, 0.0011%; no homozygotes.

Submissions (2):

Women's Health and Genetics/Laboratory Corporation of America, LabCorp
Classification: Likely pathogenic for Severe combined immunodeficiency disease. Last evaluated: 2022-06-03. Review status: criteria provided, single submitter. Criteria: LabCorp Variant Classification Summary - May 2015. Collection method: clinical testing. Allele origin: germline.
Comment: Variant summary: DCLRE1C c.1265C>G (p.Ser422X) results in a premature termination codon, predicted to cause a truncation of the encoded protein or absence of the protein due to nonsense mediated decay, which are commonly known mechanisms for disease. Truncations downstream of this position have been classified as pathogenic by our laboratory. The variant allele was found at a frequency of 4e-06 in 250878 control chromosomes (gnomAD). To our knowledge, no occurrence of c.1265C>G in individuals affected with Severe Combined Immunodeficiency and no experimental evidence demonstrating its impact on protein function have been reported. No clinical diagnostic laboratories have submitted clinical-significance assessments for this variant to ClinVar after 2014. Based on the evidence outlined above, the variant was classified as likely pathogenic.

Labcorp Genetics (formerly Invitae), Labcorp
Classification: Pathogenic for Athabaskan severe combined immunodeficiency. Last evaluated: 2022-03-20. Review status: criteria provided, single submitter. Criteria: Invitae Variant Classification Sherloc (09022015). Collection method: clinical testing. Allele origin: germline.
Comment: This sequence change creates a premature translational stop signal (p.Ser422*) in the DCLRE1C gene. While this is not anticipated to result in nonsense mediated decay, it is expected to disrupt the last 271 amino acid(s) of the DCLRE1C protein. This variant is present in population databases (no rsID available, gnomAD 0.003%). This variant has not been reported in the literature in individuals affected with DCLRE1C-related conditions. This variant disrupts a region of the DCLRE1C protein in which other variant(s) (p.Cys436*) have been determined to be pathogenic (PMID: 20674517, 22527898, 25917813, 29167666). This suggests that this is a clinically significant region of the protein, and that variants that disrupt it are likely to be disease-causing. For these reasons, this variant has been classified as Pathogenic.

Literature cited by the submitters: PubMed 20674517 (cited by Labcorp Genetics (formerly Invitae), Labcorp); PubMed 22527898 (cited by Labcorp Genetics (formerly Invitae), Labcorp); PubMed 25917813 (cited by Labcorp Genetics (formerly Invitae), Labcorp); PubMed 29167666 (cited by Labcorp Genetics (formerly Invitae), Labcorp).

NM_001033855.3(DCLRE1C):c.1265C>G (p.Ser422Ter)

Gene: DCLRE1C (DNA cross-link repair 1C; minus strand). Cytogenetic location: 10p13.
Variant type: single nucleotide variant.
Coding change: c.1265C>G on transcript NM_001033855.3 (MANE Select); coding-DNA position 1265, C replaced by G.
Protein change: p.Ser422Ter; replaces serine 422 with a stop codon.
Molecular consequence: nonsense. On other transcripts: non-coding transcript variant (4).
Genome position (GRCh38, 1-based): chr10:14,909,222, G>C on the plus strand (C>G on the coding strand, the complement: DCLRE1C is on the minus strand). VCF-style: chr10-14909222-G-C. GRCh37 (hg19) VCF-style: chr10-14951221-G-C.
Other names: c.905C>G, p.Ser302Ter (NM_001289079.2, NM_001350967.2, NM_001033857.3 and 2 more transcripts); c.1265C>G, p.Ser422Ter (NM_001350965.2); c.920C>G, p.Ser307Ter (NM_001350966.2, NM_022487.4, NM_001289076.2 and 1 more transcripts); short protein forms S302*, S307*, S422*.
Identifiers: ClinVar variation 1698463 (VCV001698463.6), dbSNP rs1354336544, ClinGen allele CA376076431.